The following is an entry in ClinVar:

NM_153676.4(USH1C):c.114C>T (p.Asp38=)

Gene: USH1C (USH1 protein network component harmonin; minus strand). Cytogenetic location: 11p15.1.
Variant type: single nucleotide variant.
Coding change: c.114C>T on transcript NM_153676.4 (MANE Select); coding-DNA position 114, C replaced by T.
Protein change: p.Asp38=; no amino-acid change (aspartic acid 38 retained).
Molecular consequence: synonymous variant. On other transcripts: non-coding transcript variant (1).
Genome position (GRCh38, 1-based): chr11:17,531,533, G>A on the plus strand (C>T on the coding strand, the complement: USH1C is on the minus strand). VCF-style: chr11-17531533-G-A. GRCh37 (hg19) VCF-style: chr11-17553080-G-A.
Other names: c.114C>T, p.Asp38= (NM_001297764.2, NM_005709.4).
Identifiers: ClinVar variation 178644 (VCV000178644.54), dbSNP rs137962152, ClinGen allele CA182724.

ClinVar aggregate classification (germline): Conflicting classifications of pathogenicity. Review status: criteria provided, conflicting classifications (1 of 4 stars). 7 submissions from 7 submitters: Uncertain significance (1); Likely benign (6). Last evaluated 2026-01-26.

Conditions:
Usher syndrome type 1C. Also called: USHER SYNDROME, TYPE I, ACADIAN VARIETY. Identifiers: Orphanet 231169, Orphanet 886, MedGen C1848604, MONDO:0010171, OMIM 276904.

Allele frequency attached by ClinVar (database versions not stated): 1000 Genomes Project 30x 0.00031; 1000 Genomes Project 0.00040; ExAC 0.00061; gnomAD exomes 0.00068 and 0.00141; TOPMed 0.00074; gnomAD 0.00077 and 0.00081; ESP Exome Variant Server 0.00092.
gnomAD v4.1: 2,153 of 1,613,242 alleles (0.13%); highest among the groups gnomAD compares: Non-Finnish European, 0.17%; 4 homozygotes.

Submissions (7):

Labcorp Genetics (formerly Invitae), Labcorp
Classification: Likely benign. Last evaluated: 2026-01-26. Review status: criteria provided, single submitter. Criteria: Invitae Variant Classification Sherloc (09022015). Collection method: clinical testing. Allele origin: germline.

Blueprint Genetics
Classification: Likely benign. Last evaluated: 2024-11-07. Review status: criteria provided, single submitter. Criteria: ACMG Guidelines, 2015. Collection method: clinical testing. Allele origin: germline.

CeGaT Center for Human Genetics Tuebingen
Classification: Likely benign. Last evaluated: 2024-08-01. Review status: criteria provided, single submitter. Criteria: CeGaT Center For Human Genetics Tuebingen Variant Classification Criteria Version 2. Collection method: clinical testing. Allele origin: germline. Affected: yes. Observed: 2 variant alleles.
Comment: USH1C: BP4, BP7

GeneDx
Classification: Likely benign. Last evaluated: 2020-09-25. Review status: criteria provided, single submitter. Criteria: GeneDx Variant Classification Process June 2021. Collection method: clinical testing. Allele origin: germline. Affected: yes.

ARUP Laboratories, Molecular Genetics and Genomics, ARUP Laboratories
Classification: Likely benign. Last evaluated: 2018-09-28. Review status: criteria provided, single submitter. Criteria: ARUP Molecular Germline Variant Investigation Process. Collection method: clinical testing. Allele origin: germline.

Illumina Laboratory Services, Illumina
Classification: Uncertain significance for Usher syndrome type 1C. Last evaluated: 2018-01-13. Review status: criteria provided, single submitter. Criteria: ICSL Variant Classification Criteria 13 December 2019. Collection method: clinical testing. Allele origin: germline.

Laboratory for Molecular Medicine, Mass General Brigham Personalized Medicine
Classification: Likely benign. Last evaluated: 2012-05-07. Review status: criteria provided, single submitter. Criteria: LMM Criteria. Collection method: clinical testing. Allele origin: germline. Observed: 2 variant alleles.
Comment: "Asp38Asp in Exon 03 of USH1C: This variant is not expected to have clinical sig nificance because it does not alter an amino acid residue, is not located within the splice consensus sequence, and has been identified in 0.2% (11/7020) of Eur opean American chromosomes from a broad population by the NHLBI Exome Sequencing Project (dbSNP rs137962152)."